The following is an entry in ClinVar:

NM_002470.4(MYH3):c.2776_2779del (p.Arg926fs)

Gene: MYH3 (myosin heavy chain 3; minus strand). Cytogenetic location: 17p13.1.
Variant type: Microsatellite.
Coding change: c.2776_2779del on transcript NM_002470.4 (MANE Select); coding-DNA positions 2776 to 2779, 4 bases deleted (AGAG; older notation c.2776_2779delAGAG).
Protein change: p.Arg926fs; shifts the reading frame from arginine 926.
Molecular consequence: frameshift variant.
Genome position (GRCh38, 1-based): chr17:10,639,706-10,639,709, CTCT deleted on the plus strand (AGAG on the coding strand, the reverse complement: MYH3 is on the minus strand); deleting any 4 consecutive bases within chr17:10,639,706-10,639,713 gives the same sequence; the c. name uses the placement nearest the transcript's 3' end. VCF-style (leftmost placement, unchanged base first): chr17-10639705-GCTCT-G. GRCh37 (hg19) VCF-style: chr17-10543022-GCTCT-G.
Other names: c.2776_2779delAGAG (NM_002470.3); c.2776_2779del (NM_002470.3); short protein forms R926fs.
Identifiers: ClinVar variation 1404481 (VCV001404481.11), dbSNP rs766768674, ClinGen allele CA8392678.

ClinVar aggregate classification (germline): Pathogenic/Likely pathogenic. Review status: criteria provided, multiple submitters, no conflicts (2 of 4 stars). 5 submissions from 5 submitters: Pathogenic (1); Likely pathogenic (3). 1 of the submissions does not count toward it. Last evaluated 2025-11-23.

Conditions:
MYH3-related disorder. Also called: MYH3-related condition; MYH3-Related Disorders. Identifiers: MedGen CN239329.

Submissions (5):

Labcorp Genetics (formerly Invitae), Labcorp
Classification: Pathogenic. Last evaluated: 2025-11-23. Review status: criteria provided, single submitter. Criteria: Invitae Variant Classification Sherloc (09022015). Collection method: clinical testing. Allele origin: germline.
Comment: This sequence change creates a premature translational stop signal (p.Arg926Leufs*11) in the MYH3 gene. It is expected to result in an absent or disrupted protein product. Loss-of-function variants in MYH3 are known to be pathogenic (PMID: 29805041, 30008475). This variant is present in population databases (rs766768674, gnomAD 0.007%). This variant has not been reported in the literature in individuals affected with MYH3-related conditions. ClinVar contains an entry for this variant (Variation ID: 1404481). For these reasons, this variant has been classified as Pathogenic.

GeneDx
Classification: Likely pathogenic. Last evaluated: 2023-10-20. Review status: criteria provided, single submitter. Criteria: GeneDx Variant Classification Process June 2021. Collection method: clinical testing. Allele origin: germline. Affected: yes.
Comment: Frameshift variant predicted to result in protein truncation or nonsense mediated decay in a gene for which loss of function is a known mechanism of disease; Not observed at significant frequency in large population cohorts (gnomAD); Has not been previously published as pathogenic or benign to our knowledge

Women's Health and Genetics/Laboratory Corporation of America, LabCorp
Classification: Likely pathogenic for MYH3-related disorder. Last evaluated: 2022-10-10. Review status: criteria provided, single submitter. Criteria: LabCorp Variant Classification Summary - May 2015. Collection method: clinical testing. Allele origin: germline.
Comment: Variant summary: MYH3 c.2776_2779delAGAG (p.Arg926LeufsX11) results in a premature termination codon, predicted to cause a truncation of the encoded protein or absence of the protein due to nonsense mediated decay. A truncation downstream of this position is classified as pathogenic in ClinVar (c.4111C>T, p.Gln1371Ter), while others are found in association with Contractures, pterygia and spondylocarpotarsal fusion syndrome 1B in HGMD (PMID: 35169139). The variant allele was found at a frequency of 1.6e-05 in 251494 control chromosomes. To our knowledge, no occurrence of c.2776_2779delAGAG in individuals affected with MYH3-Related Disorders and no experimental evidence demonstrating its impact on protein function have been reported. One clinical diagnostic laboratory has submitted clinical-significance assessments for this variant to ClinVar after 2014 without evidence for independent evaluation, classifying the variant as uncertain significance. Based on the evidence outlined above, the variant was classified as likely pathogenic.

Blueprint Genetics
Classification: Likely pathogenic for MYH3-related disorders. Last evaluated: 2021-08-26. Review status: criteria provided, single submitter. Criteria: ACMG Guidelines, 2015. Collection method: clinical testing. Allele origin: germline. Affected: yes. Observed: 2 variant alleles.

PreventionGenetics, part of Exact Sciences
Classification: Likely pathogenic for MYH3-related condition. Last evaluated: 2024-03-01. Review status: no assertion criteria provided. Collection method: clinical testing. Allele origin: germline. Not counted in ClinVar's aggregate classification.
Comment: The MYH3 c.2776_2779delAGAG variant is predicted to result in a frameshift and premature protein termination (p.Arg926Leufs*11). To our knowledge, this variant has not been reported in the literature. This variant is reported in 0.0080% of alleles in individuals of African descent in gnomAD. Frameshift variants in MYH3 are expected to be pathogenic. This variant is interpreted as likely pathogenic for autosomal recessive MYH3-related disorders.

Literature cited by the submitters: PubMed 29805041 (cited by Labcorp Genetics (formerly Invitae), Labcorp); PubMed 30008475 (cited by Labcorp Genetics (formerly Invitae), Labcorp).